The following is an entry in ClinVar:

NM_020320.5(RARS2):c.80del (p.Thr26_Ser27insTer)

Gene: RARS2 (arginyl-tRNA synthetase 2, mitochondrial; minus strand). Cytogenetic location: 6q15.
Variant type: Deletion.
Coding change: c.80del on transcript NM_020320.5 (MANE Select); coding-DNA position 80, one base deleted (C; older notation c.80delC).
Protein change: p.Thr26_Ser27insTer.
Molecular consequence: nonsense. On other transcripts: 5 prime UTR variant (6), non-coding transcript variant (21), intron variant (1).
Genome position (GRCh38, 1-based): chr6:87,569,547, G deleted on the plus strand (C on the coding strand, the reverse complement: RARS2 is on the minus strand). VCF-style (leftmost placement, unchanged base first): chr6-87569546-TG-T. GRCh37 (hg19) VCF-style: chr6-88279264-TG-T.
Other names: c.-390del (NM_001318785.2); c.80del, p.Thr26_Ser27insTer (NM_001350505.2); c.-446del (NM_001350506.2, NM_001350507.2, NM_001350510.2); c.-608del (NM_001350508.2); c.-565del (NM_001350511.2); c.-359-5315del (NM_001350509.2).
Identifiers: ClinVar variation 2854862 (VCV002854862.3), dbSNP rs2485059948, ClinGen allele CA2739273327.

ClinVar aggregate classification (germline): Pathogenic (1 of 4 stars; one submission).

Submission:

Labcorp Genetics (formerly Invitae), Labcorp
Classification: Pathogenic. Last evaluated: 2023-04-24. Review status: criteria provided, single submitter. Criteria: Invitae Variant Classification Sherloc (09022015). Collection method: clinical testing. Allele origin: germline.
Comment: This variant has not been reported in the literature in individuals affected with RARS2-related conditions. This sequence change creates a premature translational stop signal (p.Ser27*) in the RARS2 gene. It is expected to result in an absent or disrupted protein product. Loss-of-function variants in RARS2 are known to be pathogenic (PMID: 17847012, 22569581, 26083569). This variant is not present in population databases (gnomAD no frequency). For these reasons, this variant has been classified as Pathogenic.

Literature cited by the submitters: PubMed 17847012; PubMed 22569581; PubMed 26083569.